The following is an entry in ClinVar:

NM_000492.4(CFTR):c.3180A>G (p.Lys1060=)

Genes: CFTR (CF transmembrane conductance regulator; plus strand), CFTR-AS2 (CFTR antisense RNA 2; minus strand), LOC111674472 (DNase I hypersensitive sites in introns 16 and 17a of CFTR; plus strand). Cytogenetic location: 7q31.2.
Variant type: single nucleotide variant.
Coding change: c.3180A>G on transcript NM_000492.4 (MANE Select); coding-DNA position 3180, A replaced by G.
Protein change: p.Lys1060=; no amino-acid change (lysine 1060 retained).
Molecular consequence: synonymous variant.
Genome position (GRCh38, 1-based): chr7:117,611,621, A>G. VCF-style: chr7-117611621-A-G. GRCh37 (hg19) VCF-style: chr7-117251675-A-G.
Identifiers: ClinVar variation 227246 (VCV000227246.18), dbSNP rs142526976, ClinGen allele CA10576717.

ClinVar aggregate classification (germline): Likely benign. Review status: criteria provided, multiple submitters, no conflicts (2 of 4 stars). 4 submissions from 4 submitters: Likely benign (4). Last evaluated 2025-11-06.

Conditions:
Cystic fibrosis (CF). Also called: MUCOVISCIDOSIS. Identifiers: Orphanet 586, MedGen C0010674, MONDO:0009061, OMIM 219700. Disease mechanism: loss of function.

Allele frequency attached by ClinVar (database versions not stated): gnomAD 0.00004 and 0.00003; gnomAD exomes below 0.00001; TOPMed 0.00003.
gnomAD v4.1: 6 of 1,613,126 alleles (0.00037%); highest among the groups gnomAD compares: African/African-American, 0.008%; no homozygotes.

Submissions (4):

Labcorp Genetics (formerly Invitae), Labcorp
Classification: Likely benign for Cystic fibrosis. Last evaluated: 2025-11-06. Review status: criteria provided, single submitter. Criteria: Invitae Variant Classification Sherloc (09022015). Collection method: clinical testing. Allele origin: germline.

Women's Health and Genetics/Laboratory Corporation of America, LabCorp
Classification: Likely benign. Last evaluated: 2019-08-29. Review status: criteria provided, single submitter. Criteria: LabCorp Variant Classification Summary - May 2015. Collection method: clinical testing. Allele origin: germline.
Comment: Variant summary: CFTR c.3180A>G alters a conserved nucleotide resulting in a synonymous change. 5/5 computational tools predict no significant impact on normal splicing. However, these predictions have yet to be confirmed by functional studies. The variant allele was found at a frequency of 1.4e-05 in 282242 control chromosomes (gnomAD). The available data on variant occurrences in the general population are insufficient to allow any conclusion about variant significance. To our knowledge, no occurrence of c.3180A>G in individuals affected with Cystic Fibrosis and no experimental evidence demonstrating its impact on protein function have been reported. One other clinical diagnostic laboratory has submitted clinical-significance assessments for this variant to ClinVar after 2014 without evidence for independent evaluation, and classified the variant as likely benign. Based on the evidence outlined above, the variant was classified as likely benign.

Laboratory for Molecular Medicine, Mass General Brigham Personalized Medicine
Classification: Likely benign. Last evaluated: 2016-03-16. Review status: criteria provided, single submitter. Criteria: LMM Criteria. Collection method: clinical testing. Allele origin: germline. Observed: 1 variant allele.
Comment: p.Lys1060Lys in exon 20 of CFTR: This variant is not expected to have clinical s ignificance because it does not alter an amino acid residue and is not located w ithin the splice consensus sequence.

Ambry Genetics
Classification: Likely benign for Cystic fibrosis. Last evaluated: 2015-12-02. Review status: criteria provided, single submitter. Criteria: Ambry Variant Classification Scheme 2023. Collection method: clinical testing. Allele origin: germline.